The following is an entry in ClinVar:

ClinVar aggregate classification (germline): Uncertain significance (1 of 4 stars; one submission).

gnomAD v4.1: 13 of 1,613,736 alleles (0.00081%); highest among the groups gnomAD compares: East Asian, 0.0022%; no homozygotes.

Submission:

GeneDx
Classification: Uncertain significance. Last evaluated: 2024-10-27. Review status: criteria provided, single submitter. Criteria: GeneDx Variant Classification Process June 2021. Collection method: clinical testing. Allele origin: germline. Affected: yes.
Comment: In silico analysis indicates that this missense variant does not alter protein structure/function; Not observed at significant frequency in large population cohorts (gnomAD); Has not been previously published as pathogenic or benign to our knowledge

NM_018238.4(AGK):c.805C>T (p.Pro269Ser)

Gene: AGK (acylglycerol kinase; plus strand). Cytogenetic location: 7q34.
Variant type: single nucleotide variant.
Coding change: c.805C>T on transcript NM_018238.4 (MANE Select); coding-DNA position 805, C replaced by T.
Protein change: p.Pro269Ser; replaces proline 269 with serine.
Molecular consequence: missense variant.
Genome position (GRCh38, 1-based): chr7:141,641,326, C>T. VCF-style: chr7-141641326-C-T. GRCh37 (hg19) VCF-style: chr7-141341126-C-T.
Other names: c.805C>T, p.Pro269Ser (NM_001364948.3); short protein forms P269S.
Identifiers: ClinVar variation 3893315 (VCV003893315.1).